The following is an entry in ClinVar:

NM_001271938.2(MEGF8):c.5231G>A (p.Gly1744Glu)

Gene: MEGF8 (multiple EGF like domains 8; plus strand). Cytogenetic location: 19q13.2.
Variant type: single nucleotide variant.
Coding change: c.5231G>A on transcript NM_001271938.2 (MANE Select); coding-DNA position 5231, G replaced by A.
Protein change: p.Gly1744Glu; replaces glycine 1744 with glutamic acid.
Molecular consequence: missense variant.
Genome position (GRCh38, 1-based): chr19:42,358,842, G>A. VCF-style: chr19-42358842-G-A. GRCh37 (hg19) VCF-style: chr19-42862994-G-A.
Other names: c.5030G>A, p.Gly1677Glu (NM_001410.3); short protein forms G1677E, G1744E.
Identifiers: ClinVar variation 2786492 (VCV002786492.3), dbSNP rs2514317856, ClinGen allele CA406123328.

ClinVar aggregate classification (germline): Uncertain significance (1 of 4 stars; one submission).

Conditions:
MEGF8-related Carpenter syndrome. Also called: Carpenter syndrome 2. Identifiers: Orphanet 65759, MedGen C3554247, MONDO:0013998, OMIM 614976.

Allele frequency attached by ClinVar (database versions not stated): gnomAD exomes below 0.00001.
gnomAD v4.1: 1 of 1,604,046 alleles (0.000062%); highest among the groups gnomAD compares: Non-Finnish European, 0.000085%; no homozygotes.

Submission:

Labcorp Genetics (formerly Invitae), Labcorp
Classification: Uncertain significance for MEGF8-related Carpenter syndrome. Last evaluated: 2023-07-07. Review status: criteria provided, single submitter. Criteria: Invitae Variant Classification Sherloc (09022015). Collection method: clinical testing. Allele origin: germline.
Comment: This sequence change replaces glycine, which is neutral and non-polar, with glutamic acid, which is acidic and polar, at codon 1677 of the MEGF8 protein (p.Gly1677Glu). This variant is not present in population databases (gnomAD no frequency). In summary, the available evidence is currently insufficient to determine the role of this variant in disease. Therefore, it has been classified as a Variant of Uncertain Significance. Algorithms developed to predict the effect of missense changes on protein structure and function output the following: SIFT: "Not Available"; PolyPhen-2: "Benign"; Align-GVGD: "Not Available". The glutamic acid amino acid residue is found in multiple mammalian species, which suggests that this missense change does not adversely affect protein function. This variant has not been reported in the literature in individuals affected with MEGF8-related conditions.